The following is an entry in ClinVar:

ClinVar aggregate classification (germline): Likely benign. Review status: criteria provided, multiple submitters, no conflicts (2 of 4 stars). 2 submissions from 2 submitters: Likely benign (2). Last evaluated 2024-11-07.

Allele frequency attached by ClinVar (database versions not stated): 1000 Genomes Project 30x 0.00016; TOPMed 0.00018; 1000 Genomes Project 0.00020; ESP Exome Variant Server 0.00023.
gnomAD v4.1: 522 of 1,607,016 alleles (0.032%); highest among the groups gnomAD compares: Non-Finnish European, 0.042%; no homozygotes.

Submissions (2):

Blueprint Genetics
Classification: Likely benign. Last evaluated: 2024-11-07. Review status: criteria provided, single submitter. Criteria: ACMG Guidelines, 2015. Collection method: clinical testing. Allele origin: germline.

CeGaT Center for Human Genetics Tuebingen
Classification: Likely benign. Last evaluated: 2023-07-01. Review status: criteria provided, single submitter. Criteria: CeGaT Center For Human Genetics Tuebingen Variant Classification Criteria Version 2. Collection method: clinical testing. Allele origin: germline. Affected: yes. Observed: 1 variant allele.
Comment: PDE11A: BP4, BP7

NM_016953.4(PDE11A):c.1170A>G (p.Leu390=)

Gene: PDE11A (phosphodiesterase 11A; minus strand). Cytogenetic location: 2q31.2.
Variant type: single nucleotide variant.
Coding change: c.1170A>G on transcript NM_016953.4 (MANE Select); coding-DNA position 1170, A replaced by G.
Protein change: p.Leu390=; no amino-acid change (leucine 390 retained).
Molecular consequence: synonymous variant.
Genome position (GRCh38, 1-based): chr2:177,898,190, T>C on the plus strand (A>G on the coding strand, the complement: PDE11A is on the minus strand). VCF-style: chr2-177898190-T-C. GRCh37 (hg19) VCF-style: chr2-178762917-T-C.
Other names: c.420A>G, p.Leu140= (NM_001077197.2); c.96A>G, p.Leu32= (NM_001077358.2).
Identifiers: ClinVar variation 2651572 (VCV002651572.25), dbSNP rs143428645, ClinGen allele CA1982077.